The following is an entry in ClinVar:

NM_198253.3(TERT):c.2383-3C>T

Gene: TERT (telomerase reverse transcriptase; minus strand). Cytogenetic location: 5p15.33.
Variant type: single nucleotide variant.
Coding change: c.2383-3C>T on transcript NM_198253.3 (MANE Select); 3 bases into the intron before coding-DNA position 2383, C replaced by T.
Molecular consequence: intron variant.
Genome position (GRCh38, 1-based): chr5:1,271,207, G>A on the plus strand (C>T on the coding strand, the complement: TERT is on the minus strand). VCF-style: chr5-1271207-G-A. GRCh37 (hg19) VCF-style: chr5-1271322-G-A.
Other names: c.2383-3C>T (NM_001193376.3).
Identifiers: ClinVar variation 1356873 (VCV001356873.4), dbSNP rs2126614684, ClinGen allele CA2573138558.

ClinVar aggregate classification (germline): Uncertain significance (1 of 4 stars; one submission).

Conditions:
Dyskeratosis congenita, autosomal dominant 2. Identifiers: MedGen C3151443, MONDO:0013521, OMIM 613989.
Idiopathic Pulmonary Fibrosis. Also called: Idiopathic fibrosing alveolitis, chronic form; idiopathic fibrosing alveolitis. Identifiers: Orphanet 2032, MedGen C1800706, MeSH D054990, MONDO:0800504.

Submission:

Labcorp Genetics (formerly Invitae), Labcorp
Classification: Uncertain significance for Dyskeratosis congenita, autosomal dominant 2; Idiopathic Pulmonary Fibrosis. Last evaluated: 2025-12-13. Review status: criteria provided, single submitter. Criteria: Invitae Variant Classification Sherloc (09022015). Collection method: clinical testing. Allele origin: germline.
Comment: This sequence change falls in intron 7 of the TERT gene. It does not directly change the encoded amino acid sequence of the TERT protein. It affects a nucleotide within the consensus splice site. This variant is not present in population databases (gnomAD no frequency). This variant has not been reported in the literature in individuals affected with TERT-related conditions. ClinVar contains an entry for this variant (Variation ID: 1356873). Variants that disrupt the consensus splice site are a relatively common cause of aberrant splicing (PMID: 17576681, 9536098). Algorithms developed to predict the effect of sequence changes on RNA splicing suggest that this variant is not likely to affect RNA splicing. In summary, the available evidence is currently insufficient to determine the role of this variant in disease. Therefore, it has been classified as a Variant of Uncertain Significance.

Literature cited by the submitters: PubMed 17576681; PubMed 9536098.